The following is an entry in ClinVar:

NM_000152.5(GAA):c.1923G>A (p.Leu641=)

Gene: GAA (alpha glucosidase; plus strand). Cytogenetic location: 17q25.3.
Variant type: single nucleotide variant.
Coding change: c.1923G>A on transcript NM_000152.5 (MANE Select); coding-DNA position 1923, G replaced by A.
Protein change: p.Leu641=; no amino-acid change (leucine 641 retained).
Molecular consequence: synonymous variant.
Genome position (GRCh38, 1-based): chr17:80,112,910, G>A. VCF-style: chr17-80112910-G-A. GRCh37 (hg19) VCF-style: chr17-78086709-G-A.
Other names: c.1923G>A, p.Leu641= (NM_001079803.3, NM_001079804.3, NM_001406741.1 and 1 more transcripts).
Identifiers: ClinVar variation 4876584 (VCV004876584.1).

ClinVar aggregate classification (germline): Uncertain significance (1 of 4 stars; one submission).

Conditions:
Glycogen storage disease, type II (IOPD). Also called: Pompe Disease; CARDIOMEGALIA GLYCOGENICA DIFFUSA; GLYCOGENOSIS, GENERALIZED, CARDIAC FORM; GSD II; POMPE DISEASE, INFANTILE-ONSET; GLYCOGEN STORAGE DISEASE II, INFANTILE-ONSET. Identifiers: Orphanet 365, MedGen C0017921, MONDO:0009290, OMIM 232300.

Submission:

Genomenon, Inc
Classification: Uncertain significance for Glycogen storage disease, type II. Last evaluated: 2026-07-01. Review status: criteria provided, single submitter. Criteria: Genomenon Sequence Variant Interpretation Standards - Updated. Collection method: curation. Allele origin: germline. Affected: no.
Comment: GAA c.1923G>A is a synonymous variant that retains Leucine at codon 641. This variant has been reported in the published literature (PMID:32248831;22644586;35477515). It is absent or not present at a significant frequency in gnomAD. In conclusion, we classify GAA c.1923G>A (p.Leu641=) as a variant of uncertain significance.

Literature cited by the submitters: PubMed 32248831; PubMed 22644586; PubMed 35477515.